The following is an entry in ClinVar:

NM_001852.4(COL9A2):c.1925C>A (p.Ser642Tyr)

Gene: COL9A2 (collagen type IX alpha 2 chain; minus strand). Cytogenetic location: 1p34.2.
Variant type: single nucleotide variant.
Coding change: c.1925C>A on transcript NM_001852.4 (MANE Select); coding-DNA position 1925, C replaced by A.
Protein change: p.Ser642Tyr; replaces serine 642 with tyrosine.
Molecular consequence: missense variant.
Genome position (GRCh38, 1-based): chr1:40,301,327, G>T on the plus strand (C>A on the coding strand, the complement: COL9A2 is on the minus strand). VCF-style: chr1-40301327-G-T. GRCh37 (hg19) VCF-style: chr1-40766999-G-T.
Other names: short protein forms S642Y.
Identifiers: ClinVar variation 1199106 (VCV001199106.4), dbSNP rs780045313, ClinGen allele CA791276.

ClinVar aggregate classification (germline): Uncertain significance. Review status: criteria provided, multiple submitters, no conflicts (2 of 4 stars). 2 submissions from 2 submitters: Uncertain significance (2). Last evaluated 2025-01-21.

Allele frequency attached by ClinVar (database versions not stated): gnomAD exomes below 0.00001 and 0.00001; gnomAD 0.00001; TOPMed 0.00001; ExAC 0.00002.

Submissions (2):

Labcorp Genetics (formerly Invitae), Labcorp
Classification: Uncertain significance. Last evaluated: 2025-01-21. Review status: criteria provided, single submitter. Criteria: Invitae Variant Classification Sherloc (09022015). Collection method: clinical testing. Allele origin: germline.
Comment: This sequence change replaces serine, which is neutral and polar, with tyrosine, which is neutral and polar, at codon 642 of the COL9A2 protein (p.Ser642Tyr). This variant is present in population databases (rs780045313, gnomAD 0.002%). This variant has not been reported in the literature in individuals affected with COL9A2-related conditions. ClinVar contains an entry for this variant (Variation ID: 1199106). Invitae Evidence Modeling of protein sequence and biophysical properties (such as structural, functional, and spatial information, amino acid conservation, physicochemical variation, residue mobility, and thermodynamic stability) indicates that this missense variant is not expected to disrupt COL9A2 protein function with a negative predictive value of 95%. In summary, the available evidence is currently insufficient to determine the role of this variant in disease. Therefore, it has been classified as a Variant of Uncertain Significance.

GeneDx
Classification: Uncertain significance. Last evaluated: 2019-08-13. Review status: criteria provided, single submitter. Criteria: GeneDx Variant Classification Process June 2021. Collection method: clinical testing. Allele origin: germline. Affected: yes.
Comment: Has not been previously published as pathogenic or benign to our knowledge; Not observed at a significant frequency in large population cohorts (Lek et al., 2016); In silico analysis, which includes protein predictors and evolutionary conservation, supports that this variant does not alter protein structure/function